The following is an entry in ClinVar:

ClinVar aggregate classification (germline): Uncertain significance. Review status: criteria provided, multiple submitters, no conflicts (2 of 4 stars). 2 submissions from 2 submitters: Uncertain significance (2). Last evaluated 2020-12-28.

Conditions:
Hypertrophic cardiomyopathy. Also called: HYPERTROPHIC MYOCARDIOPATHY. Identifiers: Orphanet 217569, MedGen C0007194, MeSH D002312, MONDO:0005045, HP:0001639.

Submissions (2):

Blueprint Genetics
Classification: Uncertain significance. Last evaluated: 2020-12-28. Review status: criteria provided, single submitter. Criteria: ACMG Guidelines, 2015. Collection method: clinical testing. Allele origin: germline.

Labcorp Genetics (formerly Invitae), Labcorp
Classification: Uncertain significance for Hypertrophic cardiomyopathy. Last evaluated: 2019-10-06. Review status: criteria provided, single submitter. Criteria: Invitae Variant Classification Sherloc (09022015). Collection method: clinical testing. Allele origin: germline.
Comment: This variant is not present in population databases (ExAC no frequency). This sequence change replaces tyrosine with cysteine at codon 73 of the MYL3 protein (p.Tyr73Cys). The tyrosine residue is moderately conserved and there is a large physicochemical difference between tyrosine and cysteine. This variant has not been reported in the literature in individuals with MYL3-related conditions. Algorithms developed to predict the effect of missense changes on protein structure and function are either unavailable or do not agree on the potential impact of this missense change (SIFT: "Tolerated"; PolyPhen-2: "Probably Damaging"; Align-GVGD: "Class C15"). In summary, the available evidence is currently insufficient to determine the role of this variant in disease. Therefore, it has been classified as a Variant of Uncertain Significance.

NM_000258.3(MYL3):c.218A>G (p.Tyr73Cys)

Gene: MYL3 (myosin light chain 3; minus strand). Cytogenetic location: 3p21.31.
Variant type: single nucleotide variant.
Coding change: c.218A>G on transcript NM_000258.3 (MANE Select); coding-DNA position 218, A replaced by G.
Protein change: p.Tyr73Cys; replaces tyrosine 73 with cysteine.
Molecular consequence: missense variant.
Genome position (GRCh38, 1-based): chr3:46,860,765, T>C on the plus strand (A>G on the coding strand, the complement: MYL3 is on the minus strand). VCF-style: chr3-46860765-T-C. GRCh37 (hg19) VCF-style: chr3-46902255-T-C.
Other names: short protein forms Y73C.
Identifiers: ClinVar variation 965985 (VCV000965985.8), dbSNP rs1701983870, ClinGen allele CA352498362.